The following is an entry in ClinVar:

NM_177438.3(DICER1):c.3887T>G (p.Leu1296Arg)

Gene: DICER1 (dicer 1, ribonuclease III; minus strand). Cytogenetic location: 14q32.13.
Variant type: single nucleotide variant.
Coding change: c.3887T>G on transcript NM_177438.3 (MANE Select); coding-DNA position 3887, T replaced by G.
Protein change: p.Leu1296Arg; replaces leucine 1296 with arginine.
Molecular consequence: missense variant. On other transcripts: non-coding transcript variant (6).
Genome position (GRCh38, 1-based): chr14:95,103,509, A>C on the plus strand (T>G on the coding strand, the complement: DICER1 is on the minus strand). VCF-style: chr14-95103509-A-C. GRCh37 (hg19) VCF-style: chr14-95569846-A-C.
Other names: c.3482T>G, p.Leu1161Arg (NM_001395690.1, NM_001395696.1, NM_001395687.1 and 2 more transcripts); c.3320T>G, p.Leu1107Arg (NM_001395691.1); c.3887T>G, p.Leu1296Arg (NM_001395692.1, NM_001395693.1, NM_001395694.1 and 13 more transcripts); c.2204T>G, p.Leu735Arg (NM_001395697.1); c.3605T>G, p.Leu1202Arg (NM_001395686.1); short protein forms L1107R, L735R, L1161R, L1202R, L1296R.
Identifiers: ClinVar variation 2708105 (VCV002708105.3), dbSNP rs1891086152, ClinGen allele CA390873236.

ClinVar aggregate classification (germline): Uncertain significance (1 of 4 stars; one submission).

Conditions:
DICER1-related tumor predisposition. Also called: DICER1 syndrome; DICER1-related pleuropulmonary blastoma cancer predisposition syndrome. Identifiers: Orphanet 284343, MedGen C3839822, MONDO:0100216.

Allele frequency attached by ClinVar (database versions not stated): TOPMed below 0.00001.

Submission:

Labcorp Genetics (formerly Invitae), Labcorp
Classification: Uncertain significance for DICER1-related tumor predisposition. Last evaluated: 2024-01-07. Review status: criteria provided, single submitter. Criteria: Invitae Variant Classification Sherloc (09022015). Collection method: clinical testing. Allele origin: germline.
Comment: This sequence change replaces leucine, which is neutral and non-polar, with arginine, which is basic and polar, at codon 1296 of the DICER1 protein (p.Leu1296Arg). This variant is not present in population databases (gnomAD no frequency). This variant has not been reported in the literature in individuals affected with DICER1-related conditions. Advanced modeling of protein sequence and biophysical properties (such as structural, functional, and spatial information, amino acid conservation, physicochemical variation, residue mobility, and thermodynamic stability) performed at Invitae indicates that this missense variant is expected to disrupt DICER1 protein function with a positive predictive value of 80%. In summary, the available evidence is currently insufficient to determine the role of this variant in disease. Therefore, it has been classified as a Variant of Uncertain Significance.